The following is an entry in ClinVar:

ClinVar aggregate classification (germline): Benign/Likely benign. Review status: criteria provided, multiple submitters, no conflicts (2 of 4 stars). 10 submissions from 10 submitters: Benign (2); Likely benign (4). 4 of the submissions do not count toward it. Last evaluated 2026-01-08.

Conditions:
Hereditary cancer-predisposing syndrome. Also called: Neoplastic Syndromes, Hereditary; Tumor predisposition; Hereditary Cancer Syndrome; Hereditary neoplastic syndrome. Identifiers: Orphanet 140162, MedGen C0027672, MeSH D009386, MONDO:0015356.
Hereditary breast ovarian cancer syndrome. Also called: Hereditary breast and ovarian cancer; Hereditary breast and ovarian cancer syndrome; Hereditary breast and ovarian cancer syndrome (HBOC); Hereditary breast and/or ovarian cancer syndrome; Breast and ovarian cancer; BRCA1- and BRCA2-Associated Hereditary Breast and Ovarian Cancer. Identifiers: Orphanet 145, MedGen C0677776, MeSH D061325, MONDO:0003582. Disease mechanism: loss of function.
Breast-ovarian cancer, familial, susceptibility to, 2 (BROVCA2). Also called: BRCA2 Hereditary Breast and Ovarian Cancer. Identifiers: Orphanet 145, MedGen C2675520, MONDO:0012933, OMIM 612555. Disease mechanism: loss of function.
Malignant tumor of breast. Also called: Malignant breast neoplasm; Cancer breast. Identifiers: MedGen C0006142, MONDO:0007254. Disease mechanism: loss of function.

Submissions (10):

Labcorp Genetics (formerly Invitae), Labcorp
Classification: Benign for Hereditary breast ovarian cancer syndrome. Last evaluated: 2026-01-08. Review status: criteria provided, single submitter. Criteria: Invitae Variant Classification Sherloc (09022015). Collection method: clinical testing. Allele origin: germline.

Women's Health and Genetics/Laboratory Corporation of America, LabCorp
Classification: Likely benign. Last evaluated: 2025-12-08. Review status: criteria provided, single submitter. Criteria: LabCorp Variant Classification Summary - May 2015. Collection method: clinical testing. Allele origin: germline.
Comment: Variant summary: BRCA2 c.682-12_682-11delTA alters a nucleotide located at a position not widely known to affect splicing. Consensus agreement among computation tools predict no significant impact on normal splicing, which was confirmed by functional studes (e.g. Whiley_2011). The variant allele was found at a frequency of 9.9e-05 in 241450 control chromosomes in the gnomAD database, including 1 homozygote. This frequency is not significantly higher than estimated for disease-causing variants in BRCA2, allowing no conclusion about variant significance. c.682-12_682-11delTA has been observed in individuals affected with breast cancer without strong evidence of causality (e.g. Borg_2010, Spearman_2008). These reports do not provide unequivocal conclusions about association of the variant with Hereditary Breast And Ovarian Cancer Syndrome. To our knowledge, no experimental evidence demonstrating an impact on protein function has been reported. The following publications have been ascertained in the context of this evaluation (PMID: 21990134, 20104584, 18824701, 21394826, 28726806, 31143303). ClinVar contains an entry for this variant (Variation ID: 38067). Based on the evidence outlined above, the variant was classified as likely benign.

ARUP Laboratories, Molecular Genetics and Genomics, ARUP Laboratories
Classification: Likely benign. Last evaluated: 2025-07-02. Review status: criteria provided, single submitter. Criteria: ARUP Molecular Germline Variant Investigation Process 2024. Collection method: clinical testing. Allele origin: germline.

Center for Genomic Medicine, Rigshospitalet, Copenhagen University Hospital
Classification: Likely benign. Last evaluated: 2025-03-04. Review status: criteria provided, single submitter. Criteria: ACMG Guidelines, 2015. Collection method: clinical testing. Allele origin: germline.

GeneDx
Classification: Likely benign. Last evaluated: 2023-09-06. Review status: criteria provided, single submitter. Criteria: GeneDx Variant Classification Process June 2021. Collection method: clinical testing. Allele origin: germline. Affected: yes.
Comment: See Variant Classification Assertion Criteria.

Color Diagnostics, LLC DBA Color Health
Classification: Benign for Hereditary cancer-predisposing syndrome. Last evaluated: 2016-07-11. Review status: criteria provided, single submitter. Criteria: ACMG Guidelines, 2015. Collection method: clinical testing. Allele origin: germline.

BRCAlab, Lund University
Classification: Likely benign for Breast-ovarian cancer, familial, susceptibility to, 2. Last evaluated: 2020-03-02. Review status: no assertion criteria provided. Collection method: clinical testing. Allele origin: germline. Affected: yes. Not counted in ClinVar's aggregate classification.

Sharing Clinical Reports Project (SCRP)
Classification: Benign for Breast-ovarian cancer, familial 2. Last evaluated: 2009-05-01. Review status: no assertion criteria provided. Collection method: clinical testing. Allele origin: germline. Not counted in ClinVar's aggregate classification.

Breast Cancer Information Core (BIC) (BRCA2)
Classification: Uncertain significance for Breast-ovarian cancer, familial 2. Last evaluated: 2002-05-29. Review status: no assertion criteria provided. Collection method: clinical testing. Allele origin: germline. Affected: yes. Observed: 2 variant alleles. Not counted in ClinVar's aggregate classification.

Department of Pathology and Laboratory Medicine, Sinai Health System
Classification: Likely benign for Malignant tumor of breast. Review status: no assertion criteria provided. Collection method: clinical testing. Allele origin: unknown. Affected: yes. Study: The Canadian Open Genetics Repository (COGR). Not counted in ClinVar's aggregate classification.
Comment: The BRCA2 c.682-12_682-11del variant was identified in the literature, in functional studies, to show no splicing defect in RNA analysis from lymphoblastoid cell lines of affected individuals when compared to controls (Whiley 2011, Spearman 2008). A quantitative bioinformatics predictive model (posterior probability) for assessing the clinical relevance of unclassified variants, assessed the variant to be likely not pathogenic (Lindor 2012). The variant was identified in dbSNP (ID: rs1451303962) as â€šÃ„ÃºNAâ€šÃ„Ã¹, ClinVar (classified with conflicting interpretations of pathogenicity; submitters: benign by Color, Invitae and SCRP (Sharing Clinical Reports Project), likely benign by GeneDx and Integrated Genetics/Laboratory Corporation of America, and uncertain significance by BIC), and LOVD 3.0 (1X). The variant was not identified in UMD-LSDB. The variant was identified in control databases in 24 (1 homozygous) of 241450 chromosomes at a frequency of 0.0001 increasing the likelihood this could be a low frequency benign variant (Genome Aggregation Database Feb 27, 2017). The variant was observed in the following populations: in 6 of 21348 chromosomes (freq: 0.0003), Other in 1 of 5916 chromosomes (freq: 0.0002), European (non-Finnish) in 14 of 107942 chromosomes (freq: 0.0001), and South Asian in 3 (1 homozygous) of 29548 chromosomes (freq: 0.0001), while not observed in the African, Latino, Ashkenazi Jewish, and East Asian populations. The variant occurs outside of the splicing consensus sequence and in silico or computational prediction software programs (SpliceSiteFinder, MaxEntScan, NNSPLICE, GeneSplicer, HumanSpliceFinder) do not predict a difference in splicing. In summary, based on the above information the clinical significance of this variant cannot be determined with certainty at this time although we would lean towards a more benign role for this variant. This variant is classified as likely benign.

Literature cited by the submitters: PubMed 21990134 (cited by Women's Health and Genetics/Laboratory Corporation of America, LabCorp); PubMed 20104584 (cited by Women's Health and Genetics/Laboratory Corporation of America, LabCorp); PubMed 18824701 (cited by Women's Health and Genetics/Laboratory Corporation of America, LabCorp); PubMed 21394826 (cited by Women's Health and Genetics/Laboratory Corporation of America, LabCorp); PubMed 28726806 (cited by Women's Health and Genetics/Laboratory Corporation of America, LabCorp); PubMed 31143303 (cited by Women's Health and Genetics/Laboratory Corporation of America, LabCorp).

NM_000059.4(BRCA2):c.682-12_682-11del

Gene: BRCA2 (BRCA2 DNA repair associated; plus strand). Cytogenetic location: 13q13.1.
Variant type: Microsatellite.
Coding change: c.682-12_682-11del on transcript NM_000059.4 (MANE Select); 12 bases into the intron before coding-DNA position 682 through 11 bases into the intron before coding-DNA position 682, 2 bases deleted (TA; older notation c.682-12_682-11delTA).
Molecular consequence: intron variant.
Genome position (GRCh38, 1-based): chr13:32,330,907-32,330,908, TA deleted; deleting any 2 consecutive bases within chr13:32,330,905-32,330,908 gives the same sequence; the c. name uses the placement nearest the transcript's 3' end. VCF-style (leftmost placement, unchanged base first): chr13-32330904-CTA-C. GRCh37 (hg19) VCF-style: chr13-32905041-CTA-C.
Other names: IVS8-12delTA; c.682-12_682-11delTA (NM_000059.3, NM_000059.4).
Identifiers: ClinVar variation 38067 (VCV000038067.28), dbSNP rs276174879, ClinGen allele CA024452.